The following is an entry in ClinVar:

ClinVar aggregate classification (germline): Pathogenic. Review status: criteria provided, multiple submitters, no conflicts (2 of 4 stars). 2 submissions from 2 submitters: Pathogenic (2). Last evaluated 2024-05-14.

Conditions:
Primary ciliary dyskinesia. Also called: Ciliary dyskinesia. Identifiers: Orphanet 244, MedGen C0008780, MONDO:0016575, HP:0012265.
Primary ciliary dyskinesia 3. Identifiers: Orphanet 244, MedGen C1837618, MONDO:0012085, OMIM 608644.

Allele frequency attached by ClinVar (database versions not stated): TOPMed below 0.00001; gnomAD 0.00001.
gnomAD v4.1: 2 of 1,606,960 alleles (0.00012%); highest among the groups gnomAD compares: Non-Finnish European, 0.00017%; no homozygotes.

Submissions (2):

Myriad Genetics, Inc.
Classification: Pathogenic for Primary ciliary dyskinesia 3. Last evaluated: 2024-05-14. Review status: criteria provided, single submitter. Criteria: Myriad Autosomal Dominant, Autosomal Recessive and X-Linked Classification Criteria (2023). Collection method: clinical testing. Allele origin: unknown.
Comment: NM_001369.2(DNAH5):c.7774C>T(Q2592*) is expected to be pathogenic in the context of primary ciliary dyskinesia, DNAH5-related. This variant is predicted to lead to an abnormal or absent protein product due to the creation of a premature termination codon in DNAH5, a gene where loss-of-function variants are known to be pathogenic. Please note: this variant was assessed in the context of healthy population screening.

Labcorp Genetics (formerly Invitae), Labcorp
Classification: Pathogenic for Primary ciliary dyskinesia. Last evaluated: 2021-07-30. Review status: criteria provided, single submitter. Criteria: Invitae Variant Classification Sherloc (09022015). Collection method: clinical testing. Allele origin: germline.
Comment: This sequence change creates a premature translational stop signal (p.Gln2592*) in the DNAH5 gene. It is expected to result in an absent or disrupted protein product. Loss-of-function variants in DNAH5 are known to be pathogenic (PMID: 11788826, 16627867). This variant is not present in population databases (ExAC no frequency). This variant has not been reported in the literature in individuals affected with DNAH5-related conditions. For these reasons, this variant has been classified as Pathogenic.

Literature cited by the submitters: PubMed 11788826 (cited by Labcorp Genetics (formerly Invitae), Labcorp); PubMed 16627867 (cited by Labcorp Genetics (formerly Invitae), Labcorp).

NM_001369.3(DNAH5):c.7774C>T (p.Gln2592Ter)

Gene: DNAH5 (dynein axonemal heavy chain 5; minus strand). Cytogenetic location: 5p15.2.
Variant type: single nucleotide variant.
Coding change: c.7774C>T on transcript NM_001369.3 (MANE Select); coding-DNA position 7774, C replaced by T.
Protein change: p.Gln2592Ter; replaces glutamine 2592 with a stop codon.
Molecular consequence: nonsense.
Genome position (GRCh38, 1-based): chr5:13,807,704, G>A on the plus strand (C>T on the coding strand, the complement: DNAH5 is on the minus strand). VCF-style: chr5-13807704-G-A. GRCh37 (hg19) VCF-style: chr5-13807813-G-A.
Other names: short protein forms Q2592*.
Identifiers: ClinVar variation 1351626 (VCV001351626.7), dbSNP rs200922851, ClinGen allele CA359228830.
Genomic context (GRCh38, chr5:13,807,704, plus strand): 5'-GACATTCAGGATCATATTTTGACATAAATCCTTTAATTATTACTGTTTTGGCTGTTCCTT[G>A]TTCACCAATTAATAGCACAGCCTAAAATAGAGGGAATTGAAAAAAAAAGAAATGAAATAA-3'